The following is an entry in ClinVar:

ClinVar aggregate classification (germline): Likely pathogenic (1 of 4 stars; one submission).

Conditions:
Dilated cardiomyopathy 1G (CMD1G). Identifiers: Orphanet 154, MedGen C1858763, MONDO:0011400, OMIM 604145.
Autosomal recessive limb-girdle muscular dystrophy type 2J (LGMDR10). Also called: Limb-girdle muscular dystrophy, type 2J; MUSCULAR DYSTROPHY, LIMB-GIRDLE, AUTOSOMAL RECESSIVE 10. Identifiers: Orphanet 140922, MedGen C1837342, MONDO:0012127, OMIM 608807.

Submission:

Labcorp Genetics (formerly Invitae), Labcorp
Classification: Likely pathogenic for Dilated cardiomyopathy 1G; Autosomal recessive limb-girdle muscular dystrophy type 2J. Last evaluated: 2023-12-12. Review status: criteria provided, single submitter. Criteria: Invitae Variant Classification Sherloc (09022015). Collection method: clinical testing. Allele origin: germline.
Comment: This sequence change creates a premature translational stop signal (p.Trp26308*) in the TTN gene. While this is not anticipated to result in nonsense mediated decay, it is expected to create a truncated TTN protein. This variant is present in population databases (no rsID available, gnomAD 0.003%). This variant has not been reported in the literature in individuals affected with TTN-related conditions. This variant is located in the A band of TTN (PMID: 25589632). Truncating variants in this region are significantly overrepresented in patients affected with dilated cardiomyopathy (PMID: 25589632). Truncating variants in this region have also been reported in individuals affected with autosomal recessive centronuclear myopathy (PMID: 23975875). In summary, the currently available evidence indicates that the variant is pathogenic, but additional data are needed to prove that conclusively. Therefore, this variant has been classified as Likely Pathogenic.

Literature cited by the submitters: PubMed 25589632; PubMed 23975875.

NM_001267550.2(TTN):c.78924G>A (p.Trp26308Ter)

Genes: TTN-AS1 (TTN antisense RNA 1; plus strand), TTN (titin; minus strand). Cytogenetic location: 2q31.2.
Variant type: single nucleotide variant.
Coding change: c.78924G>A on transcript NM_001267550.2 (MANE Select); coding-DNA position 78924, G replaced by A.
Protein change: p.Trp26308Ter; replaces tryptophan 26308 with a stop codon.
Molecular consequence: nonsense.
Genome position (GRCh38, 1-based): chr2:178,567,208, C>T on the plus strand (G>A on the coding strand, the complement: TTN is on the minus strand). VCF-style: chr2-178567208-C-T. GRCh37 (hg19) VCF-style: chr2-179431935-C-T.
Other names: c.74001G>A, p.Trp24667Ter (NM_001256850.1); c.51729G>A, p.Trp17243Ter (NM_003319.4); c.71220G>A, p.Trp23740Ter (NM_133378.4); c.52104G>A, p.Trp17368Ter (NM_133432.3); c.52305G>A, p.Trp17435Ter (NM_133437.4); short protein forms W24667*, W17435*, W23740*, W17243*, W17368*, W26308*.
Identifiers: ClinVar variation 2949272 (VCV002949272.3), dbSNP rs1485556692, ClinGen allele CA349600575.
Genomic context (GRCh38, chr2:178,567,208, plus strand): 5'-TTCTCGCTTTTCAACAACATAGTGAGAAATGTCACTGCCACCATCTTGAAGTGGTGGAGA[C>T]CATGTTAAAGAGCATTTTTCAGAAGTGACTCCAGTAACCTGGACTGGCCCTTCTGGAGGT-3'